The following is an entry in ClinVar:

ClinVar aggregate classification (germline): Uncertain significance (1 of 4 stars; one submission).

Conditions:
RYR1-related disorder. Also called: RYR1-related condition; RYR1-related disorders. Identifiers: MedGen CN239331.

Submission:

Labcorp Genetics (formerly Invitae), Labcorp
Classification: Uncertain significance for RYR1-related disorder. Last evaluated: 2024-05-22. Review status: criteria provided, single submitter. Criteria: Invitae Variant Classification Sherloc (09022015). Collection method: clinical testing. Allele origin: germline.
Comment: This sequence change replaces glutamic acid, which is acidic and polar, with lysine, which is basic and polar, at codon 1896 of the RYR1 protein (p.Glu1896Lys). This variant is not present in population databases (gnomAD no frequency). This variant has not been reported in the literature in individuals affected with RYR1-related conditions. Advanced modeling of protein sequence and biophysical properties (such as structural, functional, and spatial information, amino acid conservation, physicochemical variation, residue mobility, and thermodynamic stability) performed at Invitae indicates that this missense variant is not expected to disrupt RYR1 protein function with a negative predictive value of 95%. In summary, the available evidence is currently insufficient to determine the role of this variant in disease. Therefore, it has been classified as a Variant of Uncertain Significance.

NM_000540.3(RYR1):c.5686G>A (p.Glu1896Lys)

Gene: RYR1 (ryanodine receptor 1; plus strand). Cytogenetic location: 19q13.2.
Variant type: single nucleotide variant.
Coding change: c.5686G>A on transcript NM_000540.3 (MANE Select); coding-DNA position 5686, G replaced by A.
Protein change: p.Glu1896Lys; replaces glutamic acid 1896 with lysine.
Molecular consequence: missense variant.
Genome position (GRCh38, 1-based): chr19:38,489,315, G>A. VCF-style: chr19-38489315-G-A. GRCh37 (hg19) VCF-style: chr19-38979955-G-A.
Other names: c.5686G>A, p.Glu1896Lys (NM_001042723.2); short protein forms E1896K.
Identifiers: ClinVar variation 3613349 (VCV003613349.2).